The following is an entry in ClinVar:

NM_000384.3(APOB):c.9754A>G (p.Thr3252Ala)

Gene: APOB (apolipoprotein B; minus strand). Cytogenetic location: 2p24.1.
Variant type: single nucleotide variant.
Coding change: c.9754A>G on transcript NM_000384.3 (MANE Select); coding-DNA position 9754, A replaced by G.
Protein change: p.Thr3252Ala; replaces threonine 3252 with alanine.
Molecular consequence: missense variant.
Genome position (GRCh38, 1-based): chr2:21,007,114, T>C on the plus strand (A>G on the coding strand, the complement: APOB is on the minus strand). VCF-style: chr2-21007114-T-C. GRCh37 (hg19) VCF-style: chr2-21229986-T-C.
Other names: short protein forms T3252A.
Identifiers: ClinVar variation 3417072 (VCV003417072.2).

ClinVar aggregate classification (germline): Uncertain significance (1 of 4 stars; one submission).

Conditions:
Cardiovascular phenotype. Identifiers: MedGen CN230736.

Submission:

Ambry Genetics
Classification: Uncertain significance for Cardiovascular phenotype. Last evaluated: 2026-09-11. Review status: criteria provided, single submitter. Criteria: Ambry Variant Classification Scheme 2023. Collection method: clinical testing. Allele origin: germline.
Comment: The p.T3252A variant (also known as c.9754A>G), located in coding exon 26 of the APOB gene, results from an A to G substitution at nucleotide position 9754. The threonine at codon 3252 is replaced by alanine, an amino acid with similar properties. This amino acid position is conserved. In addition, this alteration is predicted to be tolerated by in silico analysis. Based on the available evidence, the clinical significance of this variant remains unclear.